The following is an entry in ClinVar:

NM_001458.5(FLNC):c.7385-3C>G

Genes: FLNC (filamin C; plus strand), FLNC-AS1 (FLNC antisense RNA 1; minus strand). Cytogenetic location: 7q32.1.
Variant type: single nucleotide variant.
Coding change: c.7385-3C>G on transcript NM_001458.5 (MANE Select); 3 bases into the intron before coding-DNA position 7385, C replaced by G.
Molecular consequence: intron variant.
Genome position (GRCh38, 1-based): chr7:128,856,742, C>G. VCF-style: chr7-128856742-C-G. GRCh37 (hg19) VCF-style: chr7-128496796-C-G.
Other names: c.7286-3C>G (NM_001127487.2).
Identifiers: ClinVar variation 3755724 (VCV003755724.2).

ClinVar aggregate classification (germline): Uncertain significance (1 of 4 stars; one submission).

Conditions:
Distal myopathy with posterior leg and anterior hand involvement. Also called: WILLIAMS DISTAL MYOPATHY. Identifiers: Orphanet 63273, MedGen C3279722, MONDO:0013550, OMIM 614065.
Hypertrophic cardiomyopathy 26. Also called: Cardiomyopathy, familial hypertrophic, 26. Identifiers: Orphanet 75249, MedGen C4310749, MONDO:0014883, OMIM 617047.
Myofibrillar myopathy 5. Also called: Filaminopathy (type); FILAMINOPATHY, AUTOSOMAL DOMINANT. Identifiers: Orphanet 171445, MedGen C1836050, MONDO:0012289, OMIM 609524.

Submission:

Labcorp Genetics (formerly Invitae), Labcorp
Classification: Uncertain significance for Distal myopathy with posterior leg and anterior hand involvement; Myofibrillar myopathy 5; Hypertrophic cardiomyopathy 26. Last evaluated: 2024-04-06. Review status: criteria provided, single submitter. Criteria: Invitae Variant Classification Sherloc (09022015). Collection method: clinical testing. Allele origin: germline.
Comment: This sequence change falls in intron 44 of the FLNC gene. It does not directly change the encoded amino acid sequence of the FLNC protein. It affects a nucleotide within the consensus splice site. This variant is not present in population databases (gnomAD no frequency). This variant has not been reported in the literature in individuals affected with FLNC-related conditions. Variants that disrupt the consensus splice site are a relatively common cause of aberrant splicing (PMID: 17576681, 9536098). Algorithms developed to predict the effect of sequence changes on RNA splicing suggest that this variant may disrupt the consensus splice site. In summary, the available evidence is currently insufficient to determine the role of this variant in disease. Therefore, it has been classified as a Variant of Uncertain Significance.

Literature cited by the submitters: PubMed 17576681; PubMed 9536098.